The following is an entry in ClinVar:

ClinVar aggregate classification (germline): Likely benign. Review status: criteria provided, multiple submitters, no conflicts (2 of 4 stars). 2 submissions from 2 submitters: Likely benign (2). Last evaluated 2025-06-10.

Conditions:
KIDINS220-related disorder. Also called: KIDINS220-related condition.

Allele frequency attached by ClinVar (database versions not stated): gnomAD 0.00001; ExAC 0.00002; TOPMed 0.00002.
gnomAD v4.1: 7 of 1,613,992 alleles (0.00043%); highest among the groups gnomAD compares: African/African-American, 0.004%; no homozygotes.

Submissions (2):

PreventionGenetics, part of Exact Sciences
Classification: Likely benign for KIDINS220-related condition. Last evaluated: 2025-06-10. Review status: criteria provided, single submitter. Criteria: ACMG Guidelines, 2015. Collection method: clinical testing. Allele origin: germline.
Comment: This variant is classified as likely benign based on ACMG/AMP sequence variant interpretation guidelines (Richards et al. 2015 PMID: 25741868, with internal and published modifications).

Labcorp Genetics (formerly Invitae), Labcorp
Classification: Likely benign. Last evaluated: 2024-01-22. Review status: criteria provided, single submitter. Criteria: Invitae Variant Classification Sherloc (09022015). Collection method: clinical testing. Allele origin: germline.

NM_020738.4(KIDINS220):c.3612G>A (p.Val1204=)

Gene: KIDINS220 (kinase D interacting substrate 220; minus strand). Cytogenetic location: 2p25.1.
Variant type: single nucleotide variant.
Coding change: c.3612G>A on transcript NM_020738.4 (MANE Select); coding-DNA position 3612, G replaced by A.
Protein change: p.Val1204=; no amino-acid change (valine 1204 retained).
Molecular consequence: synonymous variant. On other transcripts: non-coding transcript variant (2).
Genome position (GRCh38, 1-based): chr2:8,736,973, C>T on the plus strand (G>A on the coding strand, the complement: KIDINS220 is on the minus strand). VCF-style: chr2-8736973-C-T. GRCh37 (hg19) VCF-style: chr2-8877103-C-T.
Other names: c.3612G>A (NM_020738.2); c.3615G>A, p.Val1205= (NM_001348729.2); c.3558G>A, p.Val1186= (NM_001348731.2); c.3555G>A, p.Val1185= (NM_001348732.2, NM_001348738.2); c.3444G>A, p.Val1148= (NM_001348734.2, NM_001348739.2, NM_001348740.2); c.3441G>A, p.Val1147= (NM_001348735.2, NM_001348741.2, NM_001348742.2 and 1 more transcripts); c.3315G>A, p.Val1105= (NM_001348736.2).
Identifiers: ClinVar variation 2982859 (VCV002982859.4), dbSNP rs775374680, ClinGen allele CA1519568.